The following is an entry in ClinVar:

NM_002959.7(SORT1):c.969A>C (p.Thr323=)

Gene: SORT1 (sortilin 1; minus strand). Cytogenetic location: 1p13.3.
Variant type: single nucleotide variant.
Coding change: c.969A>C on transcript NM_002959.7 (MANE Select); coding-DNA position 969, A replaced by C.
Protein change: p.Thr323=; no amino-acid change (threonine 323 retained).
Molecular consequence: synonymous variant.
Genome position (GRCh38, 1-based): chr1:109,342,153, T>G on the plus strand (A>C on the coding strand, the complement: SORT1 is on the minus strand). VCF-style: chr1-109342153-T-G. GRCh37 (hg19) VCF-style: chr1-109884775-T-G.
Other names: c.558A>C, p.Thr186= (NM_001205228.2).
Identifiers: ClinVar variation 3059338 (VCV003059338.2), dbSNP rs2228604, ClinGen allele CA989999.
Genomic context (GRCh38, chr1:109,342,153, plus strand): 5'-GGGGAGCTGGGCCATGCTCCATGTGTCCCCTTGATCTGTTGAAACGTGGATCCTTCTTGT[T>G]GTATCCTAGAACAGATGTCAATATTTATCTTTCTAATTTTCTGCCAAGATGCCATGGGCA-3'
Protein context (NP_002950.3, residues 313-333): LFASVMADKD[Thr323=]TRRIHVSTDQ

ClinVar aggregate classification (germline): Benign (0 of 4 stars; one submission).

Conditions:
SORT1-related disorder. Also called: SORT1-related condition.

Allele frequency attached by ClinVar (database versions not stated): ESP Exome Variant Server 0.62302; gnomAD 0.64693; TOPMed 0.64840; 1000 Genomes Project 30x 0.67786; 1000 Genomes Project 0.68550; ExAC 0.72900.
gnomAD v4.1: 1,152,128 of 1,608,056 alleles (72%); highest among the groups gnomAD compares: East Asian, 97%; 419,431 homozygotes.

Submission:

PreventionGenetics, part of Exact Sciences
Classification: Benign for SORT1-related condition. Last evaluated: 2019-10-17. Review status: no assertion criteria provided. Collection method: clinical testing. Allele origin: germline.
Comment: This variant is classified as benign based on ACMG/AMP sequence variant interpretation guidelines (Richards et al. 2015 PMID: 25741868, with internal and published modifications).